The following is an entry in ClinVar:

NM_133379.5(TTN):c.13619A>T (p.His4540Leu)

Gene: TTN (titin; minus strand). Cytogenetic location: 2q31.2.
Variant type: single nucleotide variant.
Coding change: c.13619A>T on transcript NM_133379.5; coding-DNA position 13619, A replaced by T.
Protein change: p.His4540Leu; replaces histidine 4540 with leucine.
Molecular consequence: missense variant. On other transcripts: intron variant (6).
Genome position (GRCh38, 1-based): chr2:178,748,781, T>A on the plus strand (A>T on the coding strand, the complement: TTN is on the minus strand). VCF-style: chr2-178748781-T-A. GRCh37 (hg19) VCF-style: chr2-179613508-T-A.
Other names: c.10222+4343A>T (NM_003319.4); c.10798+4343A>T (NM_133437.4); c.10597+4343A>T (NM_133432.3); c.10360+4343A>T (NM_133378.4, NM_001256850.1); c.11311+4343A>T (NM_001267550.2); short protein forms H4540L.
Identifiers: ClinVar variation 425248 (VCV000425248.44), dbSNP rs111233204, ClinGen allele CA2003375.

ClinVar aggregate classification (germline): Uncertain significance. Review status: criteria provided, multiple submitters, no conflicts (2 of 4 stars). 2 submissions from 2 submitters: Uncertain significance (2). Last evaluated 2025-12-03.

Conditions:
TTN-related disorder. Also called: TTN-related disorders; TTN-related condition; TTN-related disease.

Allele frequency attached by ClinVar (database versions not stated): ExAC 0.00001; TOPMed 0.00001; gnomAD exomes 0.00002.
gnomAD v4.1: 15 of 1,612,440 alleles (0.00093%); highest among the groups gnomAD compares: Admixed American, 0.0084%; no homozygotes.

Submissions (2):

PreventionGenetics, part of Exact Sciences
Classification: Uncertain significance for TTN-related condition. Last evaluated: 2025-12-03. Review status: criteria provided, single submitter. Criteria: ACMG Guidelines, 2015. Collection method: clinical testing. Allele origin: germline.
Comment: The TTN c.11311+4343A>T variant is predicted to interfere with splicing. Of note, this variant is also referred to as c.13619A>T (p.His4540Leu), located in exon 46 of the alternative Novex-3 transcript NM_133379 (minor small cardiac isoform). This exon is not included in any other TTN transcripts (principle cardiac or skeletal muscle isoforms). To our knowledge, this variant has not been reported in the literature. This variant is reported in 0.0087% of alleles in individuals of Latino descent in gnomAD. At this time, the clinical significance of this variant is uncertain due to the absence of conclusive functional and genetic evidence.

CeGaT Center for Human Genetics Tuebingen
Classification: Uncertain significance. Last evaluated: 2016-11-01. Review status: criteria provided, single submitter. Criteria: CeGaT Center For Human Genetics Tuebingen Variant Classification Criteria Version 2. Collection method: clinical testing. Allele origin: germline. Affected: yes. Observed: 1 variant allele.